The following is an entry in ClinVar:

ClinVar aggregate classification (germline): Pathogenic. Review status: criteria provided, multiple submitters, no conflicts (2 of 4 stars). 9 submissions from 9 submitters: Pathogenic (9). Last evaluated 2025-01-06.

Conditions:
Wilson disease (WND). Also called: Wilson's disease. Identifiers: Orphanet 905, MedGen C0019202, MONDO:0010200, OMIM 277900. Disease mechanism: loss of function.

Allele frequency attached by ClinVar (database versions not stated): gnomAD exomes below 0.00001.
gnomAD v4.1: 2 of 1,614,146 alleles (0.00012%); highest among the groups gnomAD compares: East Asian, 0.0045%; no homozygotes.

Submissions (9):

Natera, Inc.
Classification: Pathogenic for Wilson disease. Last evaluated: 2025-01-06. Review status: criteria provided, single submitter. Criteria: Natera Variant Classification Schema (03/2026). Collection method: clinical testing. Allele origin: germline.
Comment: The c.1531C>T variant in ATP7B is a nonsense variant predicted to introduce a stop codon at amino acid 511. This variant is expected to result in nonsense mediated decay, truncation, or a dysfunctional protein product. This variant is rare in the general population with a frequency below the threshold expected for the associated phenotype(s). This variant has been observed in one or more individuals affected with the associated recessive disease, as either homozygous or compound heterozygous with a second variant (PMID: 27022412, 24119323, 21796144). Given the available evidence, this variant is classified as Pathogenic.

Fulgent Genetics
Classification: Pathogenic for Wilson disease. Last evaluated: 2024-06-01. Review status: criteria provided, single submitter. Criteria: ACMG Guidelines, 2015. Collection method: clinical testing. Allele origin: germline.

Labcorp Genetics (formerly Invitae), Labcorp
Classification: Pathogenic for Wilson disease. Last evaluated: 2023-12-13. Review status: criteria provided, single submitter. Criteria: Invitae Variant Classification Sherloc (09022015). Collection method: clinical testing. Allele origin: germline.
Comment: This sequence change creates a premature translational stop signal (p.Gln511*) in the ATP7B gene. It is expected to result in an absent or disrupted protein product. Loss-of-function variants in ATP7B are known to be pathogenic (PMID: 10441329, 16283883). This variant is present in population databases (no rsID available, gnomAD 0.006%). This premature translational stop signal has been observed in individual(s) with Wilson disease (PMID: 21796144, 27022412, 30655162). ClinVar contains an entry for this variant (Variation ID: 633071). Algorithms developed to predict the effect of sequence changes on RNA splicing suggest that this variant may disrupt the consensus splice site. For these reasons, this variant has been classified as Pathogenic.

All of Us Research Program, National Institutes of Health
Classification: Pathogenic for Wilson disease. Last evaluated: 2023-10-23. Review status: criteria provided, single submitter. Criteria: ACMG Guidelines, 2015. Collection method: clinical testing. Allele origin: germline. Inheritance: Autosomal recessive inheritance. Observed: 1 variant allele, 1 heterozygote.
Comment: This variant changes 1 nucleotide in exon 3 of the ATP7B gene, creating a premature translation stop signal. This variant is expected to result in an absent or non-functional protein product. This variant has been observed in individuals affected with autosomal recessive Wilson disease (PMID: 18034201, 21796144, 25089800, 27022412, 27706781, 27982432, 31172689, 34327338, 34470610, 35444691, 36872857), including in three individuals in the homozygous state (PMID: 27022412, 34327338) and in one individual who carried a second pathogenic variant in ATP7B (PMID: 21796144). This variant has been identified in 1/248922 chromosomes in the general population by the Genome Aggregation Database (gnomAD). Loss of ATP7B function is a known mechanism of disease. Based on the available evidence, this variant is classified as Pathogenic.

This study involves interpretation of variants in research participants for the purpose of population health screening. Participant phenotype was not available at the time of variant classification. Additional details can be found in publication PMID: 35346344, PMCID: PMC8962531

Baylor Genetics
Classification: Pathogenic for Wilson disease. Last evaluated: 2022-10-20. Review status: criteria provided, single submitter. Criteria: ACMG Guidelines, 2015. Collection method: clinical testing. Allele origin: unknown.

Genome-Nilou Lab
Classification: Pathogenic for Wilson disease. Last evaluated: 2021-08-10. Review status: criteria provided, single submitter. Criteria: ACMG Guidelines, 2015. Collection method: clinical testing. Allele origin: germline. Affected: no.

Revvity Omics, Revvity
Classification: Pathogenic for Wilson disease. Last evaluated: 2021-03-27. Review status: criteria provided, single submitter. Criteria: ACMG Guidelines, 2015. Collection method: clinical testing. Allele origin: germline.

Women's Health and Genetics/Laboratory Corporation of America, LabCorp
Classification: Pathogenic for Wilson disease. Last evaluated: 2017-11-27. Review status: criteria provided, single submitter. Criteria: LabCorp Variant Classification Summary - May 2015. Collection method: clinical testing. Allele origin: germline.
Comment: Variant summary: The ATP7B c.1531C>T (p.Gln511X) variant results in a premature termination codon, predicted to cause a truncated or absent ATP7B protein due to nonsense mediated decay, which are commonly known mechanisms for disease. This variant was found in 1/245556 control chromosomes (gnomAD) at a frequency of 0.0000041, which does not exceed the estimated maximal expected allele frequency of a pathogenic ATP7B variant (0.0054006). The variant of interest has been reported in multiple affected compound heterozygote and homozygote WD patients, predominantly of Chinese origin (Dong_2016). A reputable database classifies the variant as "disease-causing." Taken together, this variant is classified as pathogenic.

Juno Genomics, Hangzhou Juno Genomics, Inc
Classification: Pathogenic for Wilson disease. Review status: criteria provided, single submitter. Criteria: ACMG Guidelines, 2015. Collection method: clinical testing. Allele origin: germline. Affected: yes.
Comment: Absent from controls (or at extremely low frequency if recessive) in Genome Aggregation Database, Exome Sequencing Project, 1000 Genomes Project, or Exome Aggregation Consortium.;Null variant in a gene where loss of function (LOF) is a known mechanism of disease.;For recessive disorders, detected in trans with a pathogenic variant.;Patient's phenotype or family history is highly specific for a disease with a single genetic etiology.

Literature cited by the submitters: PubMed 27022412 (cited by 4 submitters); PubMed 24119323 (cited by Natera, Inc.); PubMed 21796144 (cited by 3 submitters); PubMed 10441329 (cited by Labcorp Genetics (formerly Invitae), Labcorp); PubMed 16283883 (cited by Labcorp Genetics (formerly Invitae), Labcorp); PubMed 30655162 (cited by Labcorp Genetics (formerly Invitae), Labcorp); PubMed 18034201 (cited by All of Us Research Program, National Institutes of Health); PubMed 25089800 (cited by All of Us Research Program, National Institutes of Health); PubMed 27706781 (cited by All of Us Research Program, National Institutes of Health); PubMed 27982432 (cited by All of Us Research Program, National Institutes of Health); PubMed 31172689 (cited by All of Us Research Program, National Institutes of Health); PubMed 34327338 (cited by All of Us Research Program, National Institutes of Health); PubMed 34470610 (cited by All of Us Research Program, National Institutes of Health); PubMed 35444691 (cited by All of Us Research Program, National Institutes of Health); PubMed 36872857 (cited by All of Us Research Program, National Institutes of Health).

NM_000053.4(ATP7B):c.1531C>T (p.Gln511Ter)

Gene: ATP7B (ATPase copper transporting beta; minus strand). Cytogenetic location: 13q14.3.
Variant type: single nucleotide variant.
Coding change: c.1531C>T on transcript NM_000053.4 (MANE Select); coding-DNA position 1531, C replaced by T.
Protein change: p.Gln511Ter; replaces glutamine 511 with a stop codon.
Molecular consequence: nonsense.
Genome position (GRCh38, 1-based): chr13:51,970,504, G>A on the plus strand (C>T on the coding strand, the complement: ATP7B is on the minus strand). VCF-style: chr13-51970504-G-A. GRCh37 (hg19) VCF-style: chr13-52544640-G-A.
Other names: c.1531C>T, p.Gln511Ter (NM_001005918.3, NM_001330578.2, NM_001330579.2); c.1198C>T, p.Gln400Ter (NM_001243182.2); short protein forms Q511*, Q400*.
Identifiers: ClinVar variation 633071 (VCV000633071.27), dbSNP rs1449610384, ClinGen allele CA388035130.